The following is an entry in ClinVar:

NM_006306.4(SMC1A):c.2556C>A (p.Leu852=)

Gene: SMC1A (structural maintenance of chromosomes 1A; minus strand). Cytogenetic location: Xp11.22.
Variant type: single nucleotide variant.
Coding change: c.2556C>A on transcript NM_006306.4 (MANE Select); coding-DNA position 2556, C replaced by A.
Protein change: p.Leu852=; no amino-acid change (leucine 852 retained).
Molecular consequence: synonymous variant.
Genome position (GRCh38, 1-based): chrX:53,399,595, G>T on the plus strand (C>A on the coding strand, the complement: SMC1A is on the minus strand). VCF-style: chrX-53399595-G-T. GRCh37 (hg19) VCF-style: chrX-53426517-G-T.
Other names: c.2490C>A, p.Leu830= (NM_001281463.1).
Identifiers: ClinVar variation 757260 (VCV000757260.16), dbSNP rs1602407405, ClinGen allele CA516559200.
Genomic context (GRCh38, chrX:53,399,595, plus strand): 5'-TTCCCATTTTTCCTCCCAGTTATTAGTCTGTCTTTTAATTCTTTCCTTCCTTACCTTTTT[G>T]AGCTTTTCTATCTCATTTTCATCTTTTTTCACTGTCTGCTCCCACATGTGTACTTTATCT-3'
Protein context (NP_006297.2, residues 842-862): VKKDENEIEK[Leu852=]KKEEQRHMKI

ClinVar aggregate classification (germline): Likely benign. Review status: criteria provided, multiple submitters, no conflicts (2 of 4 stars). 2 submissions from 2 submitters: Likely benign (2). Last evaluated 2025-11-10.

Conditions:
Congenital muscular hypertrophy-cerebral syndrome (CDLS2). Also called: SMC1A-Related Cornelia de Lange Syndrome; Cornelia de Lange syndrome 2. Identifiers: Orphanet 199, MedGen C1802395, MONDO:0010370, OMIM 300590.

Submissions (2):

Labcorp Genetics (formerly Invitae), Labcorp
Classification: Likely benign for Congenital muscular hypertrophy-cerebral syndrome. Last evaluated: 2025-11-10. Review status: criteria provided, single submitter. Criteria: Invitae Variant Classification Sherloc (09022015). Collection method: clinical testing. Allele origin: germline.

CeGaT Center for Human Genetics Tuebingen
Classification: Likely benign. Last evaluated: 2025-10-01. Review status: criteria provided, single submitter. Criteria: CeGaT Center For Human Genetics Tuebingen Variant Classification Criteria Version 2. Collection method: clinical testing. Allele origin: germline. Affected: yes. Observed: 1 variant allele.
Comment: SMC1A: PM2:Supporting, BP4, BP7